The following is an entry in ClinVar:

ClinVar aggregate classification (germline): Uncertain significance (1 of 4 stars; one submission).

Conditions:
Inborn genetic diseases. Identifiers: MedGen C0950123, MeSH D030342.

Submission:

Ambry Genetics
Classification: Uncertain significance for Inborn genetic diseases. Last evaluated: 2025-05-21. Review status: criteria provided, single submitter. Criteria: Ambry Variant Classification Scheme 2023. Collection method: clinical testing. Allele origin: germline.
Comment: The p.P1070S variant (also known as c.3208C>T), located in coding exon 14 of the FANCM gene, results from a C to T substitution at nucleotide position 3208. The proline at codon 1070 is replaced by serine, an amino acid with similar properties. This amino acid position is conserved. In addition, this alteration is predicted to be tolerated by in silico analysis. Based on the available evidence, the clinical significance of this variant remains unclear.

NM_020937.4(FANCM):c.3208C>T (p.Pro1070Ser)

Gene: FANCM (FA complementation group M; plus strand). Cytogenetic location: 14q21.2.
Variant type: single nucleotide variant.
Coding change: c.3208C>T on transcript NM_020937.4 (MANE Select); coding-DNA position 3208, C replaced by T.
Protein change: p.Pro1070Ser; replaces proline 1070 with serine.
Molecular consequence: missense variant.
Genome position (GRCh38, 1-based): chr14:45,175,962, C>T. VCF-style: chr14-45175962-C-T. GRCh37 (hg19) VCF-style: chr14-45645165-C-T.
Other names: c.3130C>T, p.Pro1044Ser (NM_001308133.2); short protein forms P1044S, P1070S.
Identifiers: ClinVar variation 4022803 (VCV004022803.1).
Genomic context (GRCh38, chr14:45,175,962, plus strand): 5'-GAATTGAATTCACTTAAATGTATAAATTATCCATCTGAAAAAAGTTGCCTTTATGATATA[C>T]CTAATGATAATATTTCTGATGAGCCAAGTCTCTGTGACTGTGATGTACATAAACATAATC-3'
Protein context (NP_065988.1, residues 1060-1080): PSEKSCLYDI[Pro1070Ser]NDNISDEPSL